The following is an entry in ClinVar:

NM_002335.4(LRP5):c.3173T>C (p.Met1058Thr)

Gene: LRP5 (LDL receptor related protein 5; plus strand). Cytogenetic location: 11q13.2.
Variant type: single nucleotide variant.
Coding change: c.3173T>C on transcript NM_002335.4 (MANE Select); coding-DNA position 3173, T replaced by C.
Protein change: p.Met1058Thr; replaces methionine 1058 with threonine.
Molecular consequence: missense variant.
Genome position (GRCh38, 1-based): chr11:68,423,634, T>C. VCF-style: chr11-68423634-T-C. GRCh37 (hg19) VCF-style: chr11-68191102-T-C.
Other names: c.1430T>C, p.Met477Thr (NM_001291902.2); c.3173T>C (NM_002335.2); short protein forms M477T, M1058T.
Identifiers: ClinVar variation 1966088 (VCV001966088.7), dbSNP rs763899883, ClinGen allele CA224278045.
Genomic context (GRCh38, chr11:68,423,634, plus strand): 5'-TGTTCTGGACGTGCGAGGCCACCAATACCATCAACGTCCACAGGCTGAGCGGGGAAGCCA[T>C]GGGGGTGGTGCTGCGTGGGGACCGCGACAAGCCCAGGGCCATCGTCGTCAACGCGGAGCG-3'
Protein context (NP_002326.2, residues 1048-1068): INVHRLSGEA[Met1058Thr]GVVLRGDRDK

ClinVar aggregate classification (germline): Uncertain significance. Review status: criteria provided, multiple submitters, no conflicts (2 of 4 stars). 3 submissions from 3 submitters: Uncertain significance (3). Last evaluated 2025-04-16.

Conditions:
Inborn genetic diseases. Identifiers: MedGen C0950123, MeSH D030342.

Allele frequency attached by ClinVar (database versions not stated): gnomAD 0.00001; TOPMed 0.00002.

Submissions (3):

Labcorp Genetics (formerly Invitae), Labcorp
Classification: Uncertain significance. Last evaluated: 2025-04-16. Review status: criteria provided, single submitter. Criteria: Invitae Variant Classification Sherloc (09022015). Collection method: clinical testing. Allele origin: germline.
Comment: This sequence change replaces methionine, which is neutral and non-polar, with threonine, which is neutral and polar, at codon 1058 of the LRP5 protein (p.Met1058Thr). This variant is present in population databases (rs763899883, gnomAD 0.002%). This variant has not been reported in the literature in individuals affected with LRP5-related conditions. ClinVar contains an entry for this variant (Variation ID: 1966088). Invitae Evidence Modeling of protein sequence and biophysical properties (such as structural, functional, and spatial information, amino acid conservation, physicochemical variation, residue mobility, and thermodynamic stability) indicates that this missense variant is not expected to disrupt LRP5 protein function with a negative predictive value of 95%. In summary, the available evidence is currently insufficient to determine the role of this variant in disease. Therefore, it has been classified as a Variant of Uncertain Significance.

Ambry Genetics
Classification: Uncertain significance for Inborn genetic diseases. Last evaluated: 2024-12-12. Review status: criteria provided, single submitter. Criteria: Ambry Variant Classification Scheme 2023. Collection method: clinical testing. Allele origin: germline.

Blueprint Genetics
Classification: Uncertain significance. Last evaluated: 2023-12-15. Review status: criteria provided, single submitter. Criteria: ACMG Guidelines, 2015. Collection method: clinical testing. Allele origin: germline.